The following is an entry in ClinVar:

NM_001128178.3(NPHP1):c.258T>C (p.His86=)

Gene: NPHP1 (nephrocystin 1; minus strand). Cytogenetic location: 2q13.
Variant type: single nucleotide variant.
Coding change: c.258T>C on transcript NM_001128178.3 (MANE Select); coding-DNA position 258, T replaced by C.
Protein change: p.His86=; no amino-acid change (histidine 86 retained).
Molecular consequence: synonymous variant. On other transcripts: intron variant (1).
Genome position (GRCh38, 1-based): chr2:110,178,494, A>G on the plus strand (T>C on the coding strand, the complement: NPHP1 is on the minus strand). VCF-style: chr2-110178494-A-G. GRCh37 (hg19) VCF-style: chr2-110936071-A-G.
Other names: c.258T>C, p.His86= (NM_000272.5, NM_001374256.1, NM_001374257.1 and 1 more transcripts); c.144-8496T>C (NM_001128179.3).
Identifiers: ClinVar variation 698481 (VCV000698481.10), dbSNP rs370355360, ClinGen allele CA1827458.

ClinVar aggregate classification (germline): Likely benign. Review status: criteria provided, multiple submitters, no conflicts (2 of 4 stars). 3 submissions from 3 submitters: Likely benign (3). Last evaluated 2025-11-23.

Conditions:
NPHP1-related disorder. Also called: NPHP1-related condition; NPHP1-related disorders.
Nephronophthisis. Also called: Juvenile Nephronophthisis. Identifiers: Orphanet 655, MedGen C0687120, MONDO:0019005, HP:0000090.

Allele frequency attached by ClinVar (database versions not stated): ExAC 0.00002; gnomAD exomes 0.00002 and 0.00005; TOPMed 0.00003; gnomAD 0.00005 and 0.00006; ESP Exome Variant Server 0.00015; 1000 Genomes Project 30x 0.00016; 1000 Genomes Project 0.00020.

Submissions (3):

Labcorp Genetics (formerly Invitae), Labcorp
Classification: Likely benign for Nephronophthisis. Last evaluated: 2025-11-23. Review status: criteria provided, single submitter. Criteria: Invitae Variant Classification Sherloc (09022015). Collection method: clinical testing. Allele origin: germline.

PreventionGenetics, part of Exact Sciences
Classification: Likely benign for NPHP1-related condition. Last evaluated: 2024-12-30. Review status: criteria provided, single submitter. Criteria: ACMG Guidelines, 2015. Collection method: clinical testing. Allele origin: germline.
Comment: This variant is classified as likely benign based on ACMG/AMP sequence variant interpretation guidelines (Richards et al. 2015 PMID: 25741868, with internal and published modifications).

Blueprint Genetics
Classification: Likely benign. Last evaluated: 2024-11-19. Review status: criteria provided, single submitter. Criteria: ACMG Guidelines, 2015. Collection method: clinical testing. Allele origin: germline.